The following is an entry in ClinVar:

NM_004463.3(FGD1):c.2834T>C (p.Leu945Ser)

Genes: FGD1 (FYVE, RhoGEF and PH domain containing 1; minus strand), TSR2 (TSR2 ribosome maturation factor; plus strand). Cytogenetic location: Xp11.22.
Variant type: single nucleotide variant.
Coding change: c.2834T>C on transcript NM_004463.3 (MANE Select); coding-DNA position 2834, T replaced by C.
Protein change: p.Leu945Ser; replaces leucine 945 with serine.
Molecular consequence: missense variant. On other transcripts: 3 prime UTR variant (5).
Genome position (GRCh38, 1-based): chrX:54,446,161, A>G on the plus strand (T>C on the coding strand, the complement: FGD1 is on the minus strand). VCF-style: chrX-54446161-A-G. GRCh37 (hg19) VCF-style: chrX-54472594-A-G.
Other names: c.*1611A>G (NM_001346789.2, NM_001346790.2, NM_001346791.2 and 2 more transcripts); short protein forms L945S.
Identifiers: ClinVar variation 3680098 (VCV003680098.3).

ClinVar aggregate classification (germline): Uncertain significance. Review status: criteria provided, multiple submitters, no conflicts (2 of 4 stars). 2 submissions from 2 submitters: Uncertain significance (2). Last evaluated 2026-08-01.

Submissions (2):

CeGaT Center for Human Genetics Tuebingen
Classification: Uncertain significance. Last evaluated: 2026-08-01. Review status: criteria provided, single submitter. Criteria: CeGaT Center For Human Genetics Tuebingen Variant Classification Criteria Version 2. Collection method: clinical testing. Allele origin: germline. Affected: yes. Observed: 1 variant allele.
Comment: FGD1: PM2, BP4

Labcorp Genetics (formerly Invitae), Labcorp
Classification: Uncertain significance. Last evaluated: 2025-08-10. Review status: criteria provided, single submitter. Criteria: Invitae Variant Classification Sherloc (09022015). Collection method: clinical testing. Allele origin: germline.
Comment: This sequence change replaces leucine, which is neutral and non-polar, with serine, which is neutral and polar, at codon 945 of the FGD1 protein (p.Leu945Ser). This variant is not present in population databases (gnomAD no frequency). This variant has not been reported in the literature in individuals affected with FGD1-related conditions. ClinVar contains an entry for this variant (Variation ID: 3680098). Invitae Evidence Modeling of protein sequence and biophysical properties (such as structural, functional, and spatial information, amino acid conservation, physicochemical variation, residue mobility, and thermodynamic stability) indicates that this missense variant is not expected to disrupt FGD1 protein function with a negative predictive value of 95%. In summary, the available evidence is currently insufficient to determine the role of this variant in disease. Therefore, it has been classified as a Variant of Uncertain Significance.